The following is an entry in ClinVar:

NM_018105.3(THAP1):c.*686A>G

Gene: THAP1 (THAP domain containing 1; minus strand). Cytogenetic location: 8p11.21.
Variant type: single nucleotide variant.
Coding change: c.*686A>G on transcript NM_018105.3 (MANE Select); 686 bases downstream of the stop codon, A replaced by G.
Molecular consequence: 3 prime UTR variant.
Genome position (GRCh38, 1-based): chr8:42,837,276, T>C on the plus strand (A>G on the coding strand, the complement: THAP1 is on the minus strand). VCF-style: chr8-42837276-T-C. GRCh37 (hg19) VCF-style: chr8-42692419-T-C.
Other names: c.*970A>G (NM_199003.2).
Identifiers: ClinVar variation 363113 (VCV000363113.6), dbSNP rs11557527, ClinGen allele CA10627859.
Genomic context (GRCh38, chr8:42,837,276, plus strand): 5'-TCATTGATGACAATGCCTTACTTTATTTATTGAAAAATGTTTCTTCCACTGAAAATACAC[T>C]TCTAATTTTATAATGCAAGACAGTAGGGGAAAAAATAGGAGCCCATGTAAAAAAAAAAAA-3'

ClinVar aggregate classification (germline): Benign. Review status: criteria provided, multiple submitters, no conflicts (2 of 4 stars). 2 submissions from 2 submitters: Benign (2). Last evaluated 2018-01-13.

Conditions:
Torsion dystonia 6 (DYT6). Also called: DYT-THAP1. Identifiers: Orphanet 98806, MedGen C1414216, MONDO:0011264, OMIM 602629.

Allele frequency attached by ClinVar (database versions not stated): 1000 Genomes Project 0.01857; 1000 Genomes Project 30x 0.01936; TOPMed 0.03156; gnomAD 0.03374 and 0.03452.

Submissions (2):

Illumina Laboratory Services, Illumina
Classification: Benign for Torsion dystonia 6. Last evaluated: 2018-01-13. Review status: criteria provided, single submitter. Criteria: ICSL Variant Classification Criteria 13 December 2019. Collection method: clinical testing. Allele origin: germline.
Comment: This variant was observed in the ICSL laboratory as part of a predisposition screen in an ostensibly healthy population. It had not been previously curated by ICSL or reported in the Human Gene Mutation Database (HGMD: prior to June 1st, 2018), and was therefore a candidate for classification through an automated scoring system. Utilizing variant allele frequency, disease prevalence and penetrance estimates, and inheritance mode, an automated score was calculated to assess if this variant is too frequent to cause the disease. Based on the score and internal cut-off values, a variant classified as benign is not then subjected to further curation. The score for this variant resulted in a classification of benign for this disease.

Breakthrough Genomics
Classification: Benign. Review status: criteria provided, single submitter. Criteria: ACMG Guidelines, 2015. Collection method: not provided. Allele origin: germline. Inheritance: Autosomal dominant inheritance. Affected: yes.